The following is an entry in ClinVar:

NM_194277.3(FRMD7):c.287A>G (p.Tyr96Cys)

Gene: FRMD7 (FERM domain containing 7; minus strand). Cytogenetic location: Xq26.2.
Variant type: single nucleotide variant.
Coding change: c.287A>G on transcript NM_194277.3 (MANE Select); coding-DNA position 287, A replaced by G.
Protein change: p.Tyr96Cys; replaces tyrosine 96 with cysteine.
Molecular consequence: missense variant.
Genome position (GRCh38, 1-based): chrX:132,094,137, T>C on the plus strand (A>G on the coding strand, the complement: FRMD7 is on the minus strand). VCF-style: chrX-132094137-T-C. GRCh37 (hg19) VCF-style: chrX-131228165-T-C.
Other names: c.242A>G, p.Tyr81Cys (NM_001306193.2); short protein forms Y81C, Y96C.
Identifiers: ClinVar variation 4293527 (VCV004293527.1).

ClinVar aggregate classification (germline): Uncertain significance (1 of 4 stars; one submission).

Conditions:
Nystagmus 1, congenital, X-linked. Also called: NYSTAGMUS 1, INFANTILE, X-LINKED; NYSTAGMUS, CONGENITAL MOTOR, 1; NYSTAGMUS, INFANTILE IDIOPATHIC; FRMD7-Related Infantile Nystagmus; NYSTAGMUS, INFANTILE PERIODIC ALTERNATING, X-LINKED. Identifiers: MedGen C1839580, MONDO:0010693, OMIM 310700.

Submission:

3billion
Classification: Uncertain significance for Nystagmus 1, congenital, X-linked. Last evaluated: 2024-07-19. Review status: criteria provided, single submitter. Criteria: ACMG Guidelines, 2015. Collection method: clinical testing. Allele origin: germline. Affected: yes.
Comment: The variant is not observed in the gnomAD v4.0.0 dataset. Predicted Consequence/Location: Missense variant In silico tool predictions suggest damaging effect of the variant on gene or gene product [REVEL: 0.90 (>=0.6, sensitivity 0.68 and specificity 0.92); 3Cnet: 0.87 (>=0.6, sensitivity 0.72 and precision 0.9)]. Therefore, this variant is classified as VUS according to the recommendation of ACMG/AMP guideline.